The following is an entry in ClinVar:

NM_002444.3(MSN):c.385G>T (p.Ala129Ser)

Gene: MSN (moesin; plus strand). Cytogenetic location: Xq12.
Variant type: single nucleotide variant.
Coding change: c.385G>T on transcript NM_002444.3 (MANE Select); coding-DNA position 385, G replaced by T.
Protein change: p.Ala129Ser; replaces alanine 129 with serine.
Molecular consequence: missense variant.
Genome position (GRCh38, 1-based): chrX:65,729,630, G>T. VCF-style: chrX-65729630-G-T. GRCh37 (hg19) VCF-style: chrX-64949492-G-T.
Other names: NC_000023.10:g.64949492G>T; short protein forms A129S.
Identifiers: ClinVar variation 3347565 (VCV003347565.2).

ClinVar aggregate classification (germline): Uncertain significance (0 of 4 stars; one submission).

Conditions:
MSN-related disorder. Also called: MSN-related condition.

Submissions (2):

PreventionGenetics, part of Exact Sciences
Classification: Uncertain significance for MSN-related condition. Last evaluated: 2024-06-25. Review status: no assertion criteria provided. Collection method: clinical testing. Allele origin: germline.
Comment: The MSN c.385G>T variant is predicted to result in the amino acid substitution p.Ala129Ser. To our knowledge, this variant has not been reported in the literature or in a large population database, indicating this variant is rare. At this time, the clinical significance of this variant is uncertain due to the absence of conclusive functional and genetic evidence.

Dr. Peter K. Rogan Lab, Western University
No classification provided (evidence only). Condition: Thyroid cancer, nonmedullary, 1. Review status: no classification provided. Collection method: in vitro. Allele origin: not applicable. Functional consequence: skipped exon. Not counted in ClinVar's aggregate classification.